The following is an entry in ClinVar:

NM_001166108.2(PALLD):c.2998A>G (p.Thr1000Ala)

Genes: CBR4 (carbonyl reductase 4; minus strand), PALLD (palladin, cytoskeletal associated protein; plus strand). Cytogenetic location: 4q32.3.
Variant type: single nucleotide variant.
Coding change: c.2998A>G on transcript NM_001166108.2 (MANE Select); coding-DNA position 2998, A replaced by G.
Protein change: p.Thr1000Ala; replaces threonine 1000 with alanine.
Molecular consequence: missense variant.
Genome position (GRCh38, 1-based): chr4:168,921,681, A>G. VCF-style: chr4-168921681-A-G. GRCh37 (hg19) VCF-style: chr4-169842832-A-G.
Other names: c.1801A>G, p.Thr601Ala (NM_001166109.2); c.1486A>G, p.Thr496Ala (NM_001166110.2); c.826A>G, p.Thr276Ala (NM_001367567.1, NM_001367569.1); c.877A>G, p.Thr293Ala (NM_001367568.1, NM_001367570.1); c.2947A>G, p.Thr983Ala (NM_016081.4); short protein forms T496A, T983A, T601A, T1000A, T276A, T293A.
Identifiers: ClinVar variation 2979902 (VCV002979902.3), dbSNP rs2534195165, ClinGen allele CA358709446.

ClinVar aggregate classification (germline): Uncertain significance (1 of 4 stars; one submission).

Conditions:
Pancreatic adenocarcinoma. Identifiers: MedGen C0281361, MONDO:0006047, HP:0006725.

Submission:

Labcorp Genetics (formerly Invitae), Labcorp
Classification: Uncertain significance for Pancreatic adenocarcinoma. Last evaluated: 2023-05-05. Review status: criteria provided, single submitter. Criteria: Invitae Variant Classification Sherloc (09022015). Collection method: clinical testing. Allele origin: germline.
Comment: This variant is not present in population databases (gnomAD no frequency). This sequence change replaces threonine, which is neutral and polar, with alanine, which is neutral and non-polar, at codon 496 of the PALLD protein (p.Thr496Ala). In summary, the available evidence is currently insufficient to determine the role of this variant in disease. Therefore, it has been classified as a Variant of Uncertain Significance. An algorithm developed to predict the effect of missense changes on protein structure and function (PolyPhen-2) suggests that this variant is likely to be tolerated. This variant has not been reported in the literature in individuals affected with PALLD-related conditions.